The following is an entry in ClinVar:

NM_000702.4(ATP1A2):c.2016G>A (p.Ser672=)

Gene: ATP1A2 (ATPase Na+/K+ transporting subunit alpha 2; plus strand). Cytogenetic location: 1q23.2.
Variant type: single nucleotide variant.
Coding change: c.2016G>A on transcript NM_000702.4 (MANE Select); coding-DNA position 2016, G replaced by A.
Protein change: p.Ser672=; no amino-acid change (serine 672 retained).
Molecular consequence: synonymous variant.
Genome position (GRCh38, 1-based): chr1:160,135,196, G>A. VCF-style: chr1-160135196-G-A. GRCh37 (hg19) VCF-style: chr1-160104986-G-A.
Identifiers: ClinVar variation 384655 (VCV000384655.14), dbSNP rs762744089, ClinGen allele CA1194646.

ClinVar aggregate classification (germline): Likely benign. Review status: criteria provided, multiple submitters, no conflicts (2 of 4 stars). 4 submissions from 4 submitters: Likely benign (4). Last evaluated 2026-01-01.

Conditions:
Inborn genetic diseases. Identifiers: MedGen C0950123, MeSH D030342.
Familial hemiplegic migraine. Identifiers: MedGen C0338484, MONDO:0000700.

Allele frequency attached by ClinVar (database versions not stated): gnomAD 0.00001; ExAC 0.00002; TOPMed 0.00002.
gnomAD v4.1: 63 of 1,614,044 alleles (0.0039%); highest among the groups gnomAD compares: Non-Finnish European, 0.0044%; no homozygotes.

Submissions (4):

CeGaT Center for Human Genetics Tuebingen
Classification: Likely benign. Last evaluated: 2026-01-01. Review status: criteria provided, single submitter. Criteria: CeGaT Center For Human Genetics Tuebingen Variant Classification Criteria Version 2. Collection method: clinical testing. Allele origin: germline. Affected: yes. Observed: 1 variant allele.
Comment: ATP1A2: BP4, BP7

Labcorp Genetics (formerly Invitae), Labcorp
Classification: Likely benign for Familial hemiplegic migraine. Last evaluated: 2024-05-10. Review status: criteria provided, single submitter. Criteria: Invitae Variant Classification Sherloc (09022015). Collection method: clinical testing. Allele origin: germline.

Ambry Genetics
Classification: Likely benign for Inborn genetic diseases. Last evaluated: 2018-01-05. Review status: criteria provided, single submitter. Criteria: Ambry Variant Classification Scheme 2023. Collection method: clinical testing. Allele origin: germline.

GeneDx
Classification: Likely benign. Last evaluated: 2016-03-18. Review status: criteria provided, single submitter. Criteria: GeneDx Variant Classification (06012015). Collection method: clinical testing. Allele origin: germline. Affected: yes.
Comment: This variant is considered likely benign or benign based on one or more of the following criteria: it is a conservative change, it occurs at a poorly conserved position in the protein, it is predicted to be benign by multiple in silico algorithms, and/or has population frequency not consistent with disease.